The following is an entry in ClinVar:

ClinVar aggregate classification (germline): Pathogenic/Likely pathogenic. Review status: criteria provided, multiple submitters, no conflicts (2 of 4 stars). 6 submissions from 6 submitters: Pathogenic (2); Likely pathogenic (2). 2 of the submissions do not count toward it. Last evaluated 2023-09-01.

Conditions:
Primary hyperoxaluria. Identifiers: Orphanet 416, MedGen C0020501, MONDO:0002474.
Primary hyperoxaluria, type I (HP1). Also called: GLYCOLIC ACIDURIA; HEPATIC AGT DEFICIENCY; OXALOSIS I; Primary hyperoxaluria type 1. Identifiers: Orphanet 416, Orphanet 93598, MedGen C0268164, MONDO:0009823, OMIM 259900. Disease mechanism: loss of function.

Allele frequency attached by ClinVar (database versions not stated): gnomAD exomes 0.00001 and 0.00004; ExAC 0.00009; gnomAD 0.00001.

Submissions (6):

Labcorp Genetics (formerly Invitae), Labcorp
Classification: Pathogenic. Last evaluated: 2023-09-01. Review status: criteria provided, single submitter. Criteria: Invitae Variant Classification Sherloc (09022015). Collection method: clinical testing. Allele origin: germline.
Comment: For these reasons, this variant has been classified as Pathogenic. ClinVar contains an entry for this variant (Variation ID: 204175). This variant is also known as 117_118insCA. This premature translational stop signal has been observed in individual(s) with clinical features of primary hyperoxaluria (PMID: 15963748). This variant is present in population databases (rs762245382, gnomAD 0.008%). This sequence change creates a premature translational stop signal (p.Ala40Glnfs*7) in the AGXT gene. It is expected to result in an absent or disrupted protein product. Loss-of-function variants in AGXT are known to be pathogenic (PMID: 19479957).

Baylor Genetics
Classification: Pathogenic for Primary hyperoxaluria, type I. Last evaluated: 2023-03-23. Review status: criteria provided, single submitter. Criteria: ACMG Guidelines, 2015. Collection method: clinical testing. Allele origin: unknown.

Mayo Clinic Laboratories, Mayo Clinic
Classification: Likely pathogenic. Last evaluated: 2023-03-03. Review status: criteria provided, single submitter. Criteria: ACMG Guidelines, 2015. Collection method: clinical testing. Allele origin: germline. Observed: 1 variant allele.
Comment: PS4_moderate, PVS1

Women's Health and Genetics/Laboratory Corporation of America, LabCorp
Classification: Likely pathogenic for Primary hyperoxaluria. Last evaluated: 2022-05-10. Review status: criteria provided, single submitter. Criteria: LabCorp Variant Classification Summary - May 2015. Collection method: clinical testing. Allele origin: germline.
Comment: Variant summary: AGXT c.116_117dupCA (p.Ala40GlnfsX7) results in a premature termination codon, predicted to cause a truncation of the encoded protein or absence of the protein due to nonsense mediated decay, which are commonly known mechanisms for disease. Truncations downstream of this position have been classified as pathogenic by our laboratory. The variant allele was found at a frequency of 4e-05 in 247578 control chromosomes (gnomAD). This frequency is not higher than the estimated maximum expected for a pathogenic variant in AGXT causing Primary Hyperoxaluria Type 1 (0.0024), allowing no conclusion about variant significance.c.116_117dupCA has been reported in the literature in individuals affected with Primary Hyperoxaluria Type 1 (Coulter-Mackie_2005, Williams_2007, Williams_2015). These data indicate that the variant may be associated with disease. To our knowledge, no experimental evidence demonstrating an impact on protein function has been reported. Two ClinVar submitters have assessed the variant since 2014: one classified the variant as likely pathogenic and one as pathogenic. Based on the evidence outlined above, the variant was classified as likely pathogenic.

Counsyl
Classification: Likely pathogenic for Primary hyperoxaluria, type I. Last evaluated: 2016-06-03. Review status: no assertion criteria provided. Collection method: clinical testing. Allele origin: unknown. Not counted in ClinVar's aggregate classification.

Clinical Biochemistry Laboratory, Health Services Laboratory
Classification: Pathogenic for Primary hyperoxaluria, type I. Last evaluated: 2014-11-27. Review status: no assertion criteria provided. Collection method: research. Allele origin: germline. Affected: yes. Not counted in ClinVar's aggregate classification.

Literature cited by the submitters: PubMed 15963748 (cited by 5 submitters); PubMed 19479957 (cited by Labcorp Genetics (formerly Invitae), Labcorp); PubMed 17495019 (cited by Mayo Clinic Laboratories, Mayo Clinic and Women's Health and Genetics/Laboratory Corporation of America, LabCorp); PubMed 25629080 (cited by 3 submitters).

NM_000030.3(AGXT):c.116_117dup (p.Ala40fs)

Gene: AGXT (alanine--glyoxylate aminotransferase; plus strand). Cytogenetic location: 2q37.3.
Variant type: Duplication.
Coding change: c.116_117dup on transcript NM_000030.3 (MANE Select); coding-DNA positions 116 to 117, 2 bases duplicated (CA; older notation c.116_117dupCA).
Protein change: p.Ala40fs; shifts the reading frame from alanine 40.
Molecular consequence: frameshift variant.
Genome position (GRCh38, 1-based): chr2:240,868,981-240,868,982, CA duplicated. VCF-style (leftmost placement, unchanged base first): chr2-240868980-G-GCA. GRCh37 (hg19) VCF-style: chr2-241808397-G-GCA.
Other names: p.Ala40Glnfs*7; short protein forms A40fs.
Identifiers: ClinVar variation 204175 (VCV000204175.15), dbSNP rs180177166, ClinGen allele CA275816.